The following is an entry in ClinVar:

ClinVar aggregate classification (germline): Uncertain significance (1 of 4 stars; one submission).

Conditions:
MHC class II deficiency. Also called: Bare lymphocyte syndrome 2; BLS, TYPE II. Identifiers: Orphanet 572, MedGen C5447452, MONDO:0008855.

gnomAD v4.1: 9 of 1,613,582 alleles (0.00056%); highest among the groups gnomAD compares: Non-Finnish European, 0.00025%; no homozygotes.

Submission:

Labcorp Genetics (formerly Invitae), Labcorp
Classification: Uncertain significance for MHC class II deficiency. Last evaluated: 2021-09-03. Review status: criteria provided, single submitter. Criteria: Invitae Variant Classification Sherloc (09022015). Collection method: clinical testing. Allele origin: germline.
Comment: In summary, the available evidence is currently insufficient to determine the role of this variant in disease. Therefore, it has been classified as a Variant of Uncertain Significance. Algorithms developed to predict the effect of missense changes on protein structure and function are either unavailable or do not agree on the potential impact of this missense change (SIFT: "Deleterious"; PolyPhen-2: "Benign"; Align-GVGD: "Class C0"). This variant has not been reported in the literature in individuals affected with CIITA-related conditions. This variant is not present in population databases (ExAC no frequency). This sequence change replaces serine with tryptophan at codon 781 of the CIITA protein (p.Ser781Trp). The serine residue is weakly conserved and there is a large physicochemical difference between serine and tryptophan.

NM_000246.4(CIITA):c.2342C>G (p.Ser781Trp)

Gene: CIITA (class II major histocompatibility complex transactivator; plus strand). Cytogenetic location: 16p13.13.
Variant type: single nucleotide variant.
Coding change: c.2342C>G on transcript NM_000246.4 (MANE Select); coding-DNA position 2342, C replaced by G.
Protein change: p.Ser781Trp; replaces serine 781 with tryptophan.
Molecular consequence: missense variant. On other transcripts: intron variant (1).
Genome position (GRCh38, 1-based): chr16:10,907,834, C>G. VCF-style: chr16-10907834-C-G. GRCh37 (hg19) VCF-style: chr16-11001691-C-G.
Other names: c.2345C>G, p.Ser782Trp (NM_001286402.1, NM_001379332.1); c.2198C>G, p.Ser733Trp (NM_001379330.1); c.2195C>G, p.Ser732Trp (NM_001379331.1); c.2342C>G, p.Ser781Trp (NM_001379333.1); c.2273C>G, p.Ser758Trp (NM_001379334.1); c.860-1149C>G (NM_001286403.2); short protein forms S758W, S782W, S732W, S733W, S781W.
Identifiers: ClinVar variation 1508270 (VCV001508270.6), dbSNP rs13330686, ClinGen allele CA394733048.